The following is an entry in ClinVar:

ClinVar aggregate classification (germline): Likely pathogenic (1 of 4 stars; one submission).

Conditions:
Mucolipidosis type IV (ML4). Also called: ML IV. Identifiers: Orphanet 578, MedGen C0238286, MONDO:0009653, OMIM 252650.

gnomAD v4.1: 1 of 1,612,692 alleles (0.000062%); highest among the groups gnomAD compares: Non-Finnish European, 0.000085%; no homozygotes.

Submission:

Natera, Inc.
Classification: Likely pathogenic for Mucolipidosis type IV. Last evaluated: 2024-08-23. Review status: criteria provided, single submitter. Criteria: Natera Variant Classification Schema (03/2026). Collection method: clinical testing. Allele origin: germline.
Comment: The c.681-2A>C variant in MCOLN1 is a canonical splice acceptor site variant predicted to affect pre-mRNA splicing, which may result in an abnormal transcript and altered protein product. This variant is expected to result in nonsense mediated decay, truncation, or a dysfunctional protein product. This variant is rare in the general population with a frequency below the threshold expected for the associated phenotype(s). Given the available evidence, this variant is classified as Likely Pathogenic.

NM_020533.3(MCOLN1):c.681-2A>C

Gene: MCOLN1 (mucolipin TRP cation channel 1; plus strand). Cytogenetic location: 19p13.2.
Variant type: single nucleotide variant.
Coding change: c.681-2A>C on transcript NM_020533.3 (MANE Select); the canonical splice acceptor site of the intron before coding-DNA position 681, A replaced by C.
Molecular consequence: splice acceptor variant.
Genome position (GRCh38, 1-based): chr19:7,527,862, A>C. VCF-style: chr19-7527862-A-C. GRCh37 (hg19) VCF-style: chr19-7592748-A-C.
Identifiers: ClinVar variation 4816065 (VCV004816065.1).